The following is an entry in ClinVar:

NM_198253.3(TERT):c.1238G>A (p.Cys413Tyr)

Gene: TERT (telomerase reverse transcriptase; minus strand). Cytogenetic location: 5p15.33.
Variant type: single nucleotide variant.
Coding change: c.1238G>A on transcript NM_198253.3 (MANE Select); coding-DNA position 1238, G replaced by A.
Protein change: p.Cys413Tyr; replaces cysteine 413 with tyrosine.
Molecular consequence: missense variant. On other transcripts: non-coding transcript variant (2).
Genome position (GRCh38, 1-based): chr5:1,293,648, C>T on the plus strand (G>A on the coding strand, the complement: TERT is on the minus strand). VCF-style: chr5-1293648-C-T. GRCh37 (hg19) VCF-style: chr5-1293763-C-T.
Other names: c.1238G>A, p.Cys413Tyr (NM_001193376.3); short protein forms C413Y.
Identifiers: ClinVar variation 1006068 (VCV001006068.6), dbSNP rs1214280692, ClinGen allele CA359086461.

ClinVar aggregate classification (germline): Uncertain significance (1 of 4 stars; one submission).

Conditions:
Idiopathic Pulmonary Fibrosis. Also called: Idiopathic fibrosing alveolitis, chronic form; idiopathic fibrosing alveolitis. Identifiers: Orphanet 2032, MedGen C1800706, MeSH D054990, MONDO:0800504.
Dyskeratosis congenita, autosomal dominant 2. Identifiers: MedGen C3151443, MONDO:0013521, OMIM 613989.

Allele frequency attached by ClinVar (database versions not stated): TOPMed below 0.00001.
gnomAD v4.1: 1 of 1,558,372 alleles (0.000064%); no homozygotes.

Submission:

Labcorp Genetics (formerly Invitae), Labcorp
Classification: Uncertain significance for Dyskeratosis congenita, autosomal dominant 2; Idiopathic Pulmonary Fibrosis. Last evaluated: 2022-05-09. Review status: criteria provided, single submitter. Criteria: Invitae Variant Classification Sherloc (09022015). Collection method: clinical testing. Allele origin: germline.
Comment: This sequence change replaces cysteine, which is neutral and slightly polar, with tyrosine, which is neutral and polar, at codon 413 of the TERT protein (p.Cys413Tyr). This variant is not present in population databases (gnomAD no frequency). This variant has not been reported in the literature in individuals affected with TERT-related conditions. ClinVar contains an entry for this variant (Variation ID: 1006068). Advanced modeling of protein sequence and biophysical properties (such as structural, functional, and spatial information, amino acid conservation, physicochemical variation, residue mobility, and thermodynamic stability) performed at Invitae indicates that this missense variant is expected to disrupt TERT protein function. In summary, the available evidence is currently insufficient to determine the role of this variant in disease. Therefore, it has been classified as a Variant of Uncertain Significance.